The following is an entry in ClinVar:

ClinVar aggregate classification (germline): Pathogenic. Review status: criteria provided, single submitter (1 of 4 stars). 2 submissions from 2 submitters: Pathogenic (1). 1 of the submissions does not count toward it. Last evaluated 2024-07-23.

Conditions:
Dyggve-Melchior-Clausen syndrome (DMC). Also called: Dyggve-Melchior-Clausen disease; DMC syndrome. Identifiers: Orphanet 239, MedGen C0265286, MONDO:0009130, OMIM 223800.

Allele frequency attached by ClinVar (database versions not stated): TOPMed below 0.00001.
gnomAD v4.1: 1 of 1,613,986 alleles (0.000062%); highest among the groups gnomAD compares: Admixed American, 0.0017%; no homozygotes.

Submissions (2):

Labcorp Genetics (formerly Invitae), Labcorp
Classification: Pathogenic. Last evaluated: 2024-07-23. Review status: criteria provided, single submitter. Criteria: Invitae Variant Classification Sherloc (09022015). Collection method: clinical testing. Allele origin: germline.
Comment: This sequence change creates a premature translational stop signal (p.Tyr16*) in the DYM gene. It is expected to result in an absent or disrupted protein product. Loss-of-function variants in DYM are known to be pathogenic (PMID: 12491225, 12554689, 18996921). This variant is present in population databases (rs120074161, gnomAD 0.003%). This premature translational stop signal has been observed in individual(s) with Dyggve-Melchior-Clausen disease (PMID: 12491225). ClinVar contains an entry for this variant (Variation ID: 3184). For these reasons, this variant has been classified as Pathogenic.

OMIM
Classification: Pathogenic for DYGGVE-MELCHIOR-CLAUSEN DISEASE. Last evaluated: 2003-02-01. Review status: no assertion criteria provided. Collection method: literature only. Allele origin: germline. Not counted in ClinVar's aggregate classification.

Literature cited by the submitters: PubMed 12491225 (cited by Labcorp Genetics (formerly Invitae), Labcorp and OMIM); PubMed 12554689 (cited by Labcorp Genetics (formerly Invitae), Labcorp); PubMed 18996921 (cited by Labcorp Genetics (formerly Invitae), Labcorp); PubMed 12161821 (cited by OMIM).

NM_001353214.3(DYM):c.48C>G (p.Tyr16Ter)

Gene: DYM (dymeclin; minus strand). Cytogenetic location: 18q21.1.
Variant type: single nucleotide variant.
Coding change: c.48C>G on transcript NM_001353214.3 (MANE Select); coding-DNA position 48, C replaced by G.
Protein change: p.Tyr16Ter; replaces tyrosine 16 with a stop codon.
Molecular consequence: nonsense.
Genome position (GRCh38, 1-based): chr18:49,430,347, G>C on the plus strand (C>G on the coding strand, the complement: DYM is on the minus strand). VCF-style: chr18-49430347-G-C. GRCh37 (hg19) VCF-style: chr18-46956717-G-C.
Other names: c.48C>G, p.Tyr16Ter (NM_001353210.3, NM_001353211.3, NM_001353212.3 and 21 more transcripts); short protein forms Y16*.
Identifiers: ClinVar variation 3184 (VCV000003184.3), dbSNP rs120074161, ClinGen allele CA116045.
Genomic context (GRCh38, chr18:49,430,347, plus strand): 5'-AAGCTGATTCCAGAACGGGTCATTCTCAGAGATAGATTCCGTGCCTGATAACTTTTTCAA[G>C]TACTCATTTTTAGGAAGATCGCCGATTCTGCTGCTATTCGATCCCATCTTCTAGCTTAAG-3'